The following is an entry in ClinVar:

ClinVar aggregate classification (germline): Benign/Likely benign. Review status: criteria provided, multiple submitters, no conflicts (2 of 4 stars). 3 submissions from 3 submitters: Benign (1); Likely benign (2). Last evaluated 2024-07-18.

Conditions:
BAP1-related tumor predisposition syndrome (TPDS1). Also called: TUMOR PREDISPOSITION SYNDROME 1; Tumor susceptibility linked to germline BAP1 mutations; BAP1 tumor predisposition syndrome; COMMON Syndrome. Identifiers: Orphanet 289539, MedGen C3280492, MONDO:0013692, OMIM 614327.
Hereditary cancer-predisposing syndrome. Also called: Neoplastic Syndromes, Hereditary; Hereditary neoplastic syndrome; Tumor predisposition; Hereditary Cancer Syndrome. Identifiers: Orphanet 140162, MedGen C0027672, MeSH D009386, MONDO:0015356.

Submissions (3):

Myriad Genetics, Inc.
Classification: Benign for BAP1-related tumor predisposition syndrome. Last evaluated: 2024-07-18. Review status: criteria provided, single submitter. Criteria: Myriad Autosomal Dominant, Autosomal Recessive and X-Linked Classification Criteria (2023). Collection method: clinical testing. Allele origin: unknown.
Comment: This variant is considered benign. This variant is a silent/synonymous amino acid change and it is not expected to impact splicing.

Labcorp Genetics (formerly Invitae), Labcorp
Classification: Likely benign for BAP1-related tumor predisposition syndrome. Last evaluated: 2022-07-19. Review status: criteria provided, single submitter. Criteria: Invitae Variant Classification Sherloc (09022015). Collection method: clinical testing. Allele origin: germline.

Ambry Genetics
Classification: Likely benign for Hereditary cancer-predisposing syndrome. Last evaluated: 2021-06-28. Review status: criteria provided, single submitter. Criteria: Ambry Variant Classification Scheme 2023. Collection method: clinical testing. Allele origin: germline.

NM_004656.4(BAP1):c.2169C>G (p.Pro723=)

Gene: BAP1 (BRCA1 associated deubiquitinase 1; minus strand). Cytogenetic location: 3p21.1.
Variant type: single nucleotide variant.
Coding change: c.2169C>G on transcript NM_004656.4 (MANE Select); coding-DNA position 2169, C replaced by G.
Protein change: p.Pro723=; no amino-acid change (proline 723 retained).
Molecular consequence: synonymous variant.
Genome position (GRCh38, 1-based): chr3:52,402,309, G>C on the plus strand (C>G on the coding strand, the complement: BAP1 is on the minus strand). VCF-style: chr3-52402309-G-C. GRCh37 (hg19) VCF-style: chr3-52436325-G-C.
Identifiers: ClinVar variation 797454 (VCV000797454.10), dbSNP rs1578217988, ClinGen allele CA433885799.
Genomic context (GRCh38, chr3:52,402,309, plus strand): 5'-CACGGCAAGAGTGGGCTGCAGAGTCAGGGCCAGCAGTCCTCACTGGCGCTTGGCCTTGTA[G>C]GGGCGAGAGCGTTTCCGCCGGTCAGGCTTCCGCTGCTTGTGGAGCCGGCCGATGCTGACC-3'
Protein context (NP_004647.1, residues 713-729): RKPDRRKRSR[Pro723=]YKAKRQ